The following is an entry in ClinVar:

ClinVar aggregate classification (germline): Pathogenic (1 of 4 stars; one submission).

Conditions:
Neuronopathy, distal hereditary motor, autosomal recessive 5. Also called: Spinal muscular atrophy, distal, autosomal recessive, 5; NEUROPATHY, DISTAL HEREDITARY MOTOR, AUTOSOMAL RECESSIVE 5; Young adult-onset distal hereditary motor neuropathy. Identifiers: Orphanet 314485, Orphanet 443950, MedGen C4749918, MONDO:0013947, OMIM 614881.

Submission:

Labcorp Genetics (formerly Invitae), Labcorp
Classification: Pathogenic for Neuronopathy, distal hereditary motor, autosomal recessive 5. Last evaluated: 2020-12-04. Review status: criteria provided, single submitter. Criteria: Invitae Variant Classification Sherloc (09022015). Collection method: clinical testing. Allele origin: germline.
Comment: This variant is not present in population databases (ExAC no frequency). For these reasons, this variant has been classified as Pathogenic. This variant has not been reported in the literature in individuals with DNAJB2-related conditions. This sequence change creates a premature translational stop signal (p.Tyr68*) in the DNAJB2 gene. It is expected to result in an absent or disrupted protein product. Loss-of-function variants in DNAJB2 are known to be pathogenic (PMID: 22522442, 25274842).

Literature cited by the submitters: PubMed 22522442; PubMed 25274842.

NM_006736.6(DNAJB2):c.204T>G (p.Tyr68Ter)

Gene: DNAJB2 (DnaJ heat shock protein family (Hsp40) member B2; plus strand). Cytogenetic location: 2q35.
Variant type: single nucleotide variant.
Coding change: c.204T>G on transcript NM_006736.6 (MANE Select); coding-DNA position 204, T replaced by G.
Protein change: p.Tyr68Ter; replaces tyrosine 68 with a stop codon.
Molecular consequence: nonsense.
Genome position (GRCh38, 1-based): chr2:219,281,746, T>G. VCF-style: chr2-219281746-T-G. GRCh37 (hg19) VCF-style: chr2-220146468-T-G.
Other names: c.204T>G, p.Tyr68Ter (NM_001039550.2); short protein forms Y68*.
Identifiers: ClinVar variation 1452257 (VCV001452257.6), dbSNP rs2125082259, ClinGen allele CA350647749.
Genomic context (GRCh38, chr2:219,281,746, plus strand): 5'-GGAGGGTGAAATGATCTGGTCTCTTTTTGCAGAGCACAAGCGGGAGATTTACGACCGCTA[T>G]GGCCGGGAAGGGCTGACAGGGACAGGTAGGTGGAGTGGTGAGGCCCAGGAATGGAGGTGG-3'